The following is an entry in ClinVar:

ClinVar aggregate classification (germline): Uncertain significance (1 of 4 stars; one submission).

Submission:

GeneDx
Classification: Uncertain significance. Last evaluated: 2023-06-20. Review status: criteria provided, single submitter. Criteria: GeneDx Variant Classification Process June 2021. Collection method: clinical testing. Allele origin: germline. Affected: yes.
Comment: Not observed at significant frequency in large population cohorts (gnomAD); In silico analysis supports that this missense variant has a deleterious effect on protein structure/function; Has not been previously published as pathogenic or benign to our knowledge

NM_001145809.2(MYH14):c.4997A>G (p.Glu1666Gly)

Gene: MYH14 (myosin heavy chain 14; plus strand). Cytogenetic location: 19q13.33.
Variant type: single nucleotide variant.
Coding change: c.4997A>G on transcript NM_001145809.2 (MANE Select); coding-DNA position 4997, A replaced by G.
Protein change: p.Glu1666Gly; replaces glutamic acid 1666 with glycine.
Molecular consequence: missense variant.
Genome position (GRCh38, 1-based): chr19:50,290,918, A>G. VCF-style: chr19-50290918-A-G. GRCh37 (hg19) VCF-style: chr19-50794175-A-G.
Other names: c.4898A>G, p.Glu1633Gly (NM_001077186.2); c.4874A>G, p.Glu1625Gly (NM_024729.4); short protein forms E1625G, E1633G, E1666G.
Identifiers: ClinVar variation 3359940 (VCV003359940.1).
Genomic context (GRCh38, chr19:50,290,918, plus strand): 5'-GACCCGGTCCCTCCTGACCTCCTCTCCAGCTGAGAGATGCAGAGGTGGAGCGGGATGAGG[A>G]GCGGAAGCAGCGCACTCTGGCCGTGGCTGCCCGCAAGAAGCTGGAGGGAGAGCTGGAGGA-3'
Protein context (NP_001139281.1, residues 1656-1676): LRDAEVERDE[Glu1666Gly]RKQRTLAVAA